The following is an entry in ClinVar:

NM_001270508.2(TNFAIP3):c.1811C>G (p.Thr604Arg)

Gene: TNFAIP3 (TNF alpha induced protein 3; plus strand). Cytogenetic location: 6q23.3.
Variant type: single nucleotide variant.
Coding change: c.1811C>G on transcript NM_001270508.2 (MANE Select); coding-DNA position 1811, C replaced by G.
Protein change: p.Thr604Arg; replaces threonine 604 with arginine.
Molecular consequence: missense variant.
Genome position (GRCh38, 1-based): chr6:137,879,256, C>G. VCF-style: chr6-137879256-C-G. GRCh37 (hg19) VCF-style: chr6-138200393-C-G.
Other names: c.1811C>G, p.Thr604Arg (NM_001270507.2, NM_006290.4); c.1811C>G (NM_006290.3); short protein forms T604R.
Identifiers: ClinVar variation 135341 (VCV000135341.8), dbSNP rs564646155, ClinGen allele CA162429.

ClinVar aggregate classification (germline): Uncertain significance. Review status: criteria provided, multiple submitters, no conflicts (2 of 4 stars). 3 submissions from 3 submitters: Uncertain significance (2). 1 of the submissions does not count toward it. Last evaluated 2024-10-21.

Conditions:
TNFAIP3-related disorder. Also called: TNFAIP3-related condition.

Allele frequency attached by ClinVar (database versions not stated): gnomAD 0.00003; 1000 Genomes Project 30x 0.00016; 1000 Genomes Project 0.00020.
gnomAD v4.1: 9 of 1,614,152 alleles (0.00056%); highest among the groups gnomAD compares: African/African-American, 0.0067%; no homozygotes.

Submissions (3):

Labcorp Genetics (formerly Invitae), Labcorp
Classification: Uncertain significance. Last evaluated: 2024-10-21. Review status: criteria provided, single submitter. Criteria: Invitae Variant Classification Sherloc (09022015). Collection method: clinical testing. Allele origin: germline.
Comment: This sequence change replaces threonine, which is neutral and polar, with arginine, which is basic and polar, at codon 604 of the TNFAIP3 protein (p.Thr604Arg). This variant is present in population databases (rs564646155, gnomAD 0.005%). This variant has not been reported in the literature in individuals affected with TNFAIP3-related conditions. ClinVar contains an entry for this variant (Variation ID: 135341). Invitae Evidence Modeling of protein sequence and biophysical properties (such as structural, functional, and spatial information, amino acid conservation, physicochemical variation, residue mobility, and thermodynamic stability) indicates that this missense variant is not expected to disrupt TNFAIP3 protein function with a negative predictive value of 80%. In summary, the available evidence is currently insufficient to determine the role of this variant in disease. Therefore, it has been classified as a Variant of Uncertain Significance.

PreventionGenetics, part of Exact Sciences
Classification: Uncertain significance for TNFAIP3-related condition. Last evaluated: 2022-11-24. Review status: criteria provided, single submitter. Criteria: ACMG Guidelines, 2015. Collection method: clinical testing. Allele origin: germline.
Comment: The TNFAIP3 c.1811C>G variant is predicted to result in the amino acid substitution p.Thr604Arg. To our knowledge, this variant has not been reported in the literature. This variant is reported in 0.0050% of alleles in individuals of East Asian descent in gnomAD. At this time, the clinical significance of this variant is uncertain due to the absence of conclusive functional and genetic evidence.

ITMI
No classification provided. Condition: AllHighlyPenetrant. Last evaluated: 2013-09-19. Review status: no classification provided. Collection method: reference population. Allele origin: germline. Not counted in ClinVar's aggregate classification.
Comment: Please see associated publication for description of ethnicities

Literature cited by the submitters: PubMed 24728327 (cited by ITMI).